The following is an entry in ClinVar:

NM_001244710.2(GFPT1):c.1894-9C>T

Gene: GFPT1 (glutamine--fructose-6-phosphate transaminase 1; minus strand). Cytogenetic location: 2p13.3.
Variant type: single nucleotide variant.
Coding change: c.1894-9C>T on transcript NM_001244710.2 (MANE Select); 9 bases into the intron before coding-DNA position 1894, C replaced by T.
Molecular consequence: intron variant.
Genome position (GRCh38, 1-based): chr2:69,327,084, G>A on the plus strand (C>T on the coding strand, the complement: GFPT1 is on the minus strand). VCF-style: chr2-69327084-G-A. GRCh37 (hg19) VCF-style: chr2-69554216-G-A.
Other names: c.1894-9C>T (NM_001244710.1); c.1840-9C>T (NM_002056.4).
Identifiers: ClinVar variation 1580498 (VCV001580498.10), dbSNP rs765467067, ClinGen allele CA1693539.
Genomic context (GRCh38, chr2:69,327,084, plus strand): 5'-TGTTCTTAATGGTCTCAGTATCCTCCTTATCACAAATTACCACAGGCCGCCCCTAGGAAA[G>A]AAAATCACACACATACACAACATCACTGGTGGGCAAAGGCAGGGCTATAGCTTACGAATG-3'

ClinVar aggregate classification (germline): Likely benign. Review status: criteria provided, single submitter (1 of 4 stars). 2 submissions from 2 submitters: Likely benign (1). 1 of the submissions does not count toward it. Last evaluated 2025-01-05.

Conditions:
GFPT1-related disorder. Also called: GFPT1-related condition.
Congenital myasthenic syndrome 12 (CMS12). Also called: Myasthenia, congenital, 12, with tubular aggregates; MYASTHENIC SYNDROME, CONGENITAL, WITH TUBULAR AGGREGATES 1. Identifiers: Orphanet 353327, Orphanet 590, MedGen C3552335, MONDO:0012518, OMIM 610542.

Allele frequency attached by ClinVar (database versions not stated): ExAC 0.00001; gnomAD exomes 0.00001; gnomAD 0.00006; TOPMed 0.00008.
gnomAD v4.1: 16 of 1,613,496 alleles (0.00099%); highest among the groups gnomAD compares: African/African-American, 0.021%; no homozygotes.

Submissions (2):

Labcorp Genetics (formerly Invitae), Labcorp
Classification: Likely benign for Congenital myasthenic syndrome 12. Last evaluated: 2025-01-05. Review status: criteria provided, single submitter. Criteria: Invitae Variant Classification Sherloc (09022015). Collection method: clinical testing. Allele origin: germline.

PreventionGenetics, part of Exact Sciences
Classification: Likely benign for GFPT1-related condition. Last evaluated: 2021-08-19. Review status: no assertion criteria provided. Collection method: clinical testing. Allele origin: germline. Not counted in ClinVar's aggregate classification.
Comment: This variant is classified as likely benign based on ACMG/AMP sequence variant interpretation guidelines (Richards et al. 2015 PMID: 25741868, with internal and published modifications).